The following is an entry in ClinVar:

NM_006509.4(RELB):c.1288A>G (p.Ile430Val)

Gene: RELB (RELB proto-oncogene, NF-kB subunit; plus strand). Cytogenetic location: 19q13.32.
Variant type: single nucleotide variant.
Coding change: c.1288A>G on transcript NM_006509.4 (MANE Select); coding-DNA position 1288, A replaced by G.
Protein change: p.Ile430Val; replaces isoleucine 430 with valine.
Molecular consequence: missense variant.
Genome position (GRCh38, 1-based): chr19:45,034,462, A>G. VCF-style: chr19-45034462-A-G. GRCh37 (hg19) VCF-style: chr19-45537720-A-G.
Other names: short protein forms I430V.
Identifiers: ClinVar variation 1392648 (VCV001392648.6), dbSNP rs371876071, ClinGen allele CA9507819.

ClinVar aggregate classification (germline): Uncertain significance (1 of 4 stars; one submission).

Allele frequency attached by ClinVar (database versions not stated): gnomAD 0.00003; TOPMed 0.00004; gnomAD exomes 0.00007 and 0.00014; ESP Exome Variant Server 0.00008; ExAC 0.00009.
gnomAD v4.1: 197 of 1,611,966 alleles (0.012%); highest among the groups gnomAD compares: Non-Finnish European, 0.016%; 1 homozygote.

Submission:

Labcorp Genetics (formerly Invitae), Labcorp
Classification: Uncertain significance. Last evaluated: 2025-08-09. Review status: criteria provided, single submitter. Criteria: Invitae Variant Classification Sherloc (09022015). Collection method: clinical testing. Allele origin: germline.
Comment: This sequence change replaces isoleucine, which is neutral and non-polar, with valine, which is neutral and non-polar, at codon 430 of the RELB protein (p.Ile430Val). This variant is present in population databases (rs371876071, gnomAD 0.01%). This variant has not been reported in the literature in individuals affected with RELB-related conditions. ClinVar contains an entry for this variant (Variation ID: 1392648). An algorithm developed to predict the effect of missense changes on protein structure and function (PolyPhen-2) suggests that this variant is likely to be disruptive. In summary, the available evidence is currently insufficient to determine the role of this variant in disease. Therefore, it has been classified as a Variant of Uncertain Significance.